The following is an entry in ClinVar:

ClinVar aggregate classification (germline): Likely pathogenic. Review status: criteria provided, multiple submitters, no conflicts (2 of 4 stars). 2 submissions from 2 submitters: Likely pathogenic (2). Last evaluated 2024-12-11.

Conditions:
Wilson disease (WND). Also called: Wilson's disease. Identifiers: Orphanet 905, MedGen C0019202, MONDO:0010200, OMIM 277900. Disease mechanism: loss of function.

Submissions (2):

Natera, Inc.
Classification: Likely pathogenic for Wilson disease. Last evaluated: 2024-12-11. Review status: criteria provided, single submitter. Criteria: Natera Variant Classification Schema (03/2026). Collection method: clinical testing. Allele origin: germline.
Comment: The c.3796G>T variant in ATP7B is a missense variant predicted to cause substitution of glycine to tryptophan at amino acid 1266. This variant is rare in the general population with a frequency below the threshold expected for the associated phenotype(s). This variant has been observed in one or more individuals affected with the associated recessive disease, as either homozygous or compound heterozygous with a second variant (PMID: 21832955). A different variant at the same position has been determined to be Pathogenic or Likely Pathogenic. Computational prediction algorithms indicate this variant is likely to affect gene or protein function. Given the available evidence, this variant is classified as Likely Pathogenic.

Fulgent Genetics
Classification: Likely pathogenic for Wilson disease. Last evaluated: 2024-05-16. Review status: criteria provided, single submitter. Criteria: ACMG Guidelines, 2015. Collection method: clinical testing. Allele origin: germline.

Literature cited by the submitters: PubMed 21832955 (cited by Natera, Inc.).

NM_000053.4(ATP7B):c.3796G>T (p.Gly1266Trp)

Gene: ATP7B (ATPase copper transporting beta; minus strand). Cytogenetic location: 13q14.3.
Variant type: single nucleotide variant.
Coding change: c.3796G>T on transcript NM_000053.4 (MANE Select); coding-DNA position 3796, G replaced by T.
Protein change: p.Gly1266Trp; replaces glycine 1266 with tryptophan.
Molecular consequence: missense variant. On other transcripts: intron variant (1).
Genome position (GRCh38, 1-based): chr13:51,937,583, C>A on the plus strand (G>T on the coding strand, the complement: ATP7B is on the minus strand). VCF-style: chr13-51937583-C-A. GRCh37 (hg19) VCF-style: chr13-52511719-C-A.
Other names: c.3796G>T (NM_000053.3); c.3175G>T, p.Gly1059Trp (NM_001005918.3); c.3463G>T, p.Gly1155Trp (NM_001243182.2); c.3562G>T, p.Gly1188Trp (NM_001330578.2, NM_001406527.1, NM_001406528.1); c.3544G>T, p.Gly1182Trp (NM_001330579.2, NM_001406531.1, NM_001406532.1); c.3796G>T, p.Gly1266Trp (NM_001406511.1, NM_001406512.1); c.3790G>T, p.Gly1264Trp (NM_001406513.1); c.3763G>T, p.Gly1255Trp (NM_001406514.1); and 22 more; short protein forms G1102W, G1117W, G1182W, G1186W, G1248W, G1266W, G985W, G1039W.
Identifiers: ClinVar variation 3576279 (VCV003576279.2).